The following is an entry in ClinVar:

ClinVar aggregate classification (germline): Uncertain significance. Review status: criteria provided, multiple submitters, no conflicts (2 of 4 stars). 2 submissions from 2 submitters: Uncertain significance (2). Last evaluated 2026-05-22.

Conditions:
PLXNA4-related disorder. Also called: PLXNA4-related condition.

gnomAD v4.1: 10 of 1,614,156 alleles (0.00062%); highest among the groups gnomAD compares: Admixed American, 0.0033%; no homozygotes.

Submissions (2):

PreventionGenetics, part of Exact Sciences
Classification: Uncertain significance for PLXNA4-related condition. Last evaluated: 2026-05-22. Review status: criteria provided, single submitter. Criteria: ACMG Guidelines, 2015. Collection method: clinical testing. Allele origin: germline.
Comment: The PLXNA4 c.1447C>T variant is predicted to result in the amino acid substitution p.Arg483Trp. To our knowledge, this variant has not been reported in the literature. This variant is reported in 0.0029% of alleles in individuals of Latino descent in gnomAD. At this time, the clinical significance of this variant is uncertain due to the absence of conclusive functional and genetic evidence.

Ambry Genetics
Classification: Uncertain significance. Last evaluated: 2025-06-11. Review status: criteria provided, single submitter. Criteria: Ambry Variant Classification Scheme 2023. Collection method: clinical testing. Allele origin: germline.

NM_020911.2(PLXNA4):c.1447C>T (p.Arg483Trp)

Gene: PLXNA4 (plexin A4; minus strand). Cytogenetic location: 7q32.3.
Variant type: single nucleotide variant.
Coding change: c.1447C>T on transcript NM_020911.2 (MANE Select); coding-DNA position 1447, C replaced by T.
Protein change: p.Arg483Trp; replaces arginine 483 with tryptophan.
Molecular consequence: missense variant.
Genome position (GRCh38, 1-based): chr7:132,298,147, G>A on the plus strand (C>T on the coding strand, the complement: PLXNA4 is on the minus strand). VCF-style: chr7-132298147-G-A. GRCh37 (hg19) VCF-style: chr7-131982906-G-A.
Other names: c.1447C>T, p.Arg483Trp (NM_001393897.1); short protein forms R483W.
Identifiers: ClinVar variation 3934824 (VCV003934824.2).